The following is an entry in ClinVar:

ClinVar aggregate classification (germline): Likely pathogenic (1 of 4 stars; one submission).

Conditions:
Sulfite oxidase deficiency due to molybdenum cofactor deficiency type A. Also called: Molybdenum cofactor deficiency, complementation group A; Molybdenum Cofactor Deficiency A. Identifiers: Orphanet 308386, Orphanet 833, MedGen C1854988, MONDO:0009643, OMIM 252150.

Submission:

Labcorp Genetics (formerly Invitae), Labcorp
Classification: Likely pathogenic for Sulfite oxidase deficiency due to molybdenum cofactor deficiency type A. Last evaluated: 2023-12-06. Review status: criteria provided, single submitter. Criteria: Invitae Variant Classification Sherloc (09022015). Collection method: clinical testing. Allele origin: germline.
Comment: This variant results in the deletion of part of exon 9 (c.982-763_1036del) of the MOCS1 gene. It is expected to disrupt RNA splicing. Variants that disrupt the donor or acceptor splice site typically lead to a loss of protein function (PMID: 16199547), and loss-of-function variants in MOCS1 are known to be pathogenic (PMID: 12754701, 16021469). This variant is not present in population databases (gnomAD no frequency). This variant has not been reported in the literature in individuals affected with MOCS1-related conditions. ClinVar contains an entry for this variant (Variation ID: 2112080). In summary, the currently available evidence indicates that the variant is pathogenic, but additional data are needed to prove that conclusively. Therefore, this variant has been classified as Likely Pathogenic.

Literature cited by the submitters: PubMed 16199547; PubMed 12754701; PubMed 16021469.

NM_001358530.2(MOCS1):c.982-763_1036del

Gene: MOCS1 (molybdenum cofactor synthesis 1; minus strand). Cytogenetic location: 6p21.2.
Variant type: Deletion.
Coding change: c.982-763_1036del on transcript NM_001358530.2 (MANE Select); 763 bases into the intron before coding-DNA position 982 through coding-DNA position 1036, 818 bases deleted.
Molecular consequence: splice acceptor variant.
Genome position (GRCh38, 1-based): chr6:39,909,901-39,910,718, 818 bases deleted. GRCh37 (hg19): chr6:39,877,645-39,878,462.
Other names: c.721-763_775del (NM_001358531.2, NM_001358533.2, NM_001358534.2); c.982-763_1036del (NM_001358529.2, NM_001075098.4, NM_005943.6).
Identifiers: ClinVar variation 2112080 (VCV002112080.4), dbSNP rs2482284043, ClinGen allele CA2580074497.